The following is an entry in ClinVar:

NM_006648.4(WNK2):c.2374C>A (p.Pro792Thr)

Gene: WNK2 (WNK lysine deficient protein kinase 2; plus strand). Cytogenetic location: 9q22.31.
Variant type: single nucleotide variant.
Coding change: c.2374C>A on transcript NM_006648.4 (MANE Select); coding-DNA position 2374, C replaced by A.
Protein change: p.Pro792Thr; replaces proline 792 with threonine.
Molecular consequence: missense variant.
Genome position (GRCh38, 1-based): chr9:93,257,131, C>A. VCF-style: chr9-93257131-C-A. GRCh37 (hg19) VCF-style: chr9-96019413-C-A.
Other names: c.2374C>A, p.Pro792Thr (NM_001282394.3); short protein forms P792T.
Identifiers: ClinVar variation 5031799 (VCV005031799.1).

ClinVar aggregate classification (germline): Uncertain significance (1 of 4 stars; one submission).

Submission:

Ambry Genetics
Classification: Uncertain significance. Last evaluated: 2026-06-21. Review status: criteria provided, single submitter. Criteria: Ambry Variant Classification Scheme 2023. Collection method: clinical testing. Allele origin: germline.
Comment: The p.P792T variant (also known as c.2374C>A), located in coding exon 10 of the WNK2 gene, results from a C to A substitution at nucleotide position 2374. The proline at codon 792 is replaced by threonine, an amino acid with highly similar properties. This amino acid position is conserved. In addition, the in silico prediction for this alteration is inconclusive. Based on the available evidence, the clinical significance of this variant remains unclear.